The following is an entry in ClinVar:

ClinVar aggregate classification (germline): Uncertain significance (1 of 4 stars; one submission).

Allele frequency attached by ClinVar (database versions not stated): gnomAD exomes below 0.00001.
gnomAD v4.1: 1 of 1,614,102 alleles (0.000062%); highest among the groups gnomAD compares: Non-Finnish European, 0.000085%; no homozygotes.

Submission:

Labcorp Genetics (formerly Invitae), Labcorp
Classification: Uncertain significance. Last evaluated: 2021-07-15. Review status: criteria provided, single submitter. Criteria: Invitae Variant Classification Sherloc (09022015). Collection method: clinical testing. Allele origin: germline.
Comment: In summary, the available evidence is currently insufficient to determine the role of this variant in disease. Therefore, it has been classified as a Variant of Uncertain Significance. Advanced modeling of protein sequence and biophysical properties (such as structural, functional, and spatial information, amino acid conservation, physicochemical variation, residue mobility, and thermodynamic stability) performed at Invitae indicates that this missense variant is not expected to disrupt FAT4 protein function. This variant has not been reported in the literature in individuals affected with FAT4-related conditions. This variant is not present in population databases (ExAC no frequency). This sequence change replaces serine with proline at codon 4788 of the FAT4 protein (p.Ser4788Pro). The serine residue is highly conserved and there is a moderate physicochemical difference between serine and proline.

NM_001291303.3(FAT4):c.14368T>C (p.Ser4790Pro)

Gene: FAT4 (FAT atypical cadherin 4; plus strand). Cytogenetic location: 4q28.1.
Variant type: single nucleotide variant.
Coding change: c.14368T>C on transcript NM_001291303.3 (MANE Select); coding-DNA position 14368, T replaced by C.
Protein change: p.Ser4790Pro; replaces serine 4790 with proline.
Molecular consequence: missense variant.
Genome position (GRCh38, 1-based): chr4:125,491,184, T>C. VCF-style: chr4-125491184-T-C. GRCh37 (hg19) VCF-style: chr4-126412339-T-C.
Other names: c.14365T>C, p.Ser4789Pro (NM_001291285.3); c.14362T>C, p.Ser4788Pro (NM_024582.6); short protein forms S4789P, S4788P, S4790P.
Identifiers: ClinVar variation 1506007 (VCV001506007.8), dbSNP rs1490011143, ClinGen allele CA358141944.